The following is an entry in ClinVar:

NM_003185.4(TAF4):c.2119G>A (p.Gly707Arg)

Gene: TAF4 (TATA-box binding protein associated factor 4; minus strand). Cytogenetic location: 20q13.33.
Variant type: single nucleotide variant.
Coding change: c.2119G>A on transcript NM_003185.4 (MANE Select); coding-DNA position 2119, G replaced by A.
Protein change: p.Gly707Arg; replaces glycine 707 with arginine.
Molecular consequence: missense variant.
Genome position (GRCh38, 1-based): chr20:62,006,614, C>T on the plus strand (G>A on the coding strand, the complement: TAF4 is on the minus strand). VCF-style: chr20-62006614-C-T. GRCh37 (hg19) VCF-style: chr20-60581670-C-T.
Other names: short protein forms G707R.
Identifiers: ClinVar variation 2771861 (VCV002771861.3), dbSNP rs1190897934, ClinGen allele CA409519136.
Genomic context (GRCh38, chr20:62,006,614, plus strand): 5'-GCTGCGTGAGGCTGAGCACAGGGGGCTGGAGGGCACTGGTCACGGTGGCCGCCGTCTTCC[C>T]GGCCGTGCGCTGGACCGAGCTACTCAGCACCACGGCCGTGAGCGCAGTGGTGGCCTGCGA-3'
Protein context (NP_003176.2, residues 697-717): VLSSSVQRTA[Gly707Arg]KTAATVTSAL

ClinVar aggregate classification (germline): Uncertain significance (1 of 4 stars; one submission).

Allele frequency attached by ClinVar (database versions not stated): gnomAD 0.00001; TOPMed 0.00002.
gnomAD v4.1: 6 of 1,596,048 alleles (0.00038%); highest among the groups gnomAD compares: African/African-American, 0.0014%; no homozygotes.

Submission:

Labcorp Genetics (formerly Invitae), Labcorp
Classification: Uncertain significance. Last evaluated: 2024-02-20. Review status: criteria provided, single submitter. Criteria: Invitae Variant Classification Sherloc (09022015). Collection method: clinical testing. Allele origin: germline.
Comment: This sequence change replaces glycine, which is neutral and non-polar, with arginine, which is basic and polar, at codon 707 of the TAF4 protein (p.Gly707Arg). The frequency data for this variant in the population databases is considered unreliable, as metrics indicate poor data quality at this position in the gnomAD database. This variant has not been reported in the literature in individuals affected with TAF4-related conditions. An algorithm developed to predict the effect of missense changes on protein structure and function (PolyPhen-2) suggests that this variant is likely to be disruptive. In summary, the available evidence is currently insufficient to determine the role of this variant in disease. Therefore, it has been classified as a Variant of Uncertain Significance.